The following is an entry in ClinVar:

NM_015102.5(NPHP4):c.3705C>T (p.Arg1235=)

Gene: NPHP4 (nephrocystin 4; minus strand). Cytogenetic location: 1p36.31.
Variant type: single nucleotide variant.
Coding change: c.3705C>T on transcript NM_015102.5 (MANE Select); coding-DNA position 3705, C replaced by T.
Protein change: p.Arg1235=; no amino-acid change (arginine 1235 retained).
Molecular consequence: synonymous variant. On other transcripts: non-coding transcript variant (1).
Genome position (GRCh38, 1-based): chr1:5,865,213, G>A on the plus strand (C>T on the coding strand, the complement: NPHP4 is on the minus strand). VCF-style: chr1-5865213-G-A. GRCh37 (hg19) VCF-style: chr1-5925273-G-A.
Other names: c.2166C>T, p.Arg722= (NM_001291593.2); c.2169C>T, p.Arg723= (NM_001291594.2).
Identifiers: ClinVar variation 297790 (VCV000297790.24), dbSNP rs199925943, ClinGen allele CA553494.

ClinVar aggregate classification (germline): Conflicting classifications of pathogenicity. Review status: criteria provided, conflicting classifications (1 of 4 stars). 6 submissions from 5 submitters: Uncertain significance (3); Benign (1); Likely benign (1). 1 of the submissions does not count toward it. Last evaluated 2026-01-20.

Conditions:
NPHP4-related disorder. Also called: NPHP4-related disorders; NPHP4-related condition. Identifiers: MedGen CN239384.
Nephronophthisis. Also called: Juvenile Nephronophthisis. Identifiers: Orphanet 655, MedGen C0687120, MONDO:0019005, HP:0000090.
Senior-Loken syndrome 4 (SLSN4). Identifiers: Orphanet 3156, MedGen C1846979, MONDO:0011756, OMIM 606996.
Nephronophthisis 4 (NPHP4). Also called: NEPHRONOPHTHISIS 4, JUVENILE. Identifiers: Orphanet 655, MedGen C1847013, MONDO:0011752, OMIM 606966.

Allele frequency attached by ClinVar (database versions not stated): ESP Exome Variant Server 0.00008; 1000 Genomes Project 30x 0.00016; 1000 Genomes Project 0.00020; TOPMed 0.00022; gnomAD 0.00028; ExAC 0.00031; gnomAD exomes 0.00031.
gnomAD v4.1: 257 of 1,606,136 alleles (0.016%); highest among the groups gnomAD compares: Middle Eastern, 0.017%; 2 homozygotes.

Submissions (6):

Labcorp Genetics (formerly Invitae), Labcorp
Classification: Benign for Nephronophthisis. Last evaluated: 2026-01-20. Review status: criteria provided, single submitter. Criteria: Invitae Variant Classification Sherloc (09022015). Collection method: clinical testing. Allele origin: germline.

Blueprint Genetics
Classification: Likely benign. Last evaluated: 2024-11-26. Review status: criteria provided, single submitter. Criteria: ACMG Guidelines, 2015. Collection method: clinical testing. Allele origin: germline.

Illumina Laboratory Services, Illumina
Classification: Uncertain significance for Nephronophthisis 4. Last evaluated: 2018-01-12. Review status: criteria provided, single submitter. Criteria: ICSL Variant Classification Criteria 13 December 2019. Collection method: clinical testing. Allele origin: germline.

Illumina Laboratory Services, Illumina
Classification: Uncertain significance for Senior-Loken syndrome 4. Last evaluated: 2018-01-12. Review status: criteria provided, single submitter. Criteria: ICSL Variant Classification Criteria 13 December 2019. Collection method: clinical testing. Allele origin: germline.

Eurofins Ntd Llc (ga)
Classification: Uncertain significance. Last evaluated: 2016-11-28. Review status: criteria provided, single submitter. Criteria: EGL Classification Definitions 2015. Collection method: clinical testing. Allele origin: germline. Observed: 1 variant allele, 1 heterozygote.

PreventionGenetics, part of Exact Sciences
Classification: Likely benign for NPHP4-related condition. Last evaluated: 2019-09-19. Review status: no assertion criteria provided. Collection method: clinical testing. Allele origin: germline. Not counted in ClinVar's aggregate classification.
Comment: This variant is classified as likely benign based on ACMG/AMP sequence variant interpretation guidelines (Richards et al. 2015 PMID: 25741868, with internal and published modifications).